The following is an entry in ClinVar:

NM_000275.3(OCA2):c.871A>C (p.Thr291Pro)

Gene: OCA2 (OCA2 melanosomal transmembrane protein; minus strand). Cytogenetic location: 15q13.1.
Variant type: single nucleotide variant.
Coding change: c.871A>C on transcript NM_000275.3 (MANE Select); coding-DNA position 871, A replaced by C.
Protein change: p.Thr291Pro; replaces threonine 291 with proline.
Molecular consequence: missense variant.
Genome position (GRCh38, 1-based): chr15:28,016,123, T>G on the plus strand (A>C on the coding strand, the complement: OCA2 is on the minus strand). VCF-style: chr15-28016123-T-G. GRCh37 (hg19) VCF-style: chr15-28261269-T-G.
Other names: c.871A>C, p.Thr291Pro (NM_001300984.2); short protein forms T291P.
Identifiers: ClinVar variation 4744019 (VCV004744019.1).

ClinVar aggregate classification (germline): Uncertain significance (1 of 4 stars; one submission).

Submission:

Labcorp Genetics (formerly Invitae), Labcorp
Classification: Uncertain significance. Last evaluated: 2025-11-11. Review status: criteria provided, single submitter. Criteria: Invitae Variant Classification Sherloc (09022015). Collection method: clinical testing. Allele origin: germline.
Comment: This sequence change replaces threonine, which is neutral and polar, with proline, which is neutral and non-polar, at codon 291 of the OCA2 protein (p.Thr291Pro). This variant is not present in population databases (gnomAD no frequency). This missense change has been observed in individual(s) with oculocutaneous albinism (internal data). In at least one individual the data is consistent with being in trans (on the opposite chromosome) from a pathogenic variant. Invitae Evidence Modeling of protein sequence and biophysical properties (such as structural, functional, and spatial information, amino acid conservation, physicochemical variation, residue mobility, and thermodynamic stability) indicates that this missense variant is not expected to disrupt OCA2 protein function with a negative predictive value of 80%. In summary, the available evidence is currently insufficient to determine the role of this variant in disease. Therefore, it has been classified as a Variant of Uncertain Significance.